The following is an entry in ClinVar:

ClinVar aggregate classification (germline): Likely benign (1 of 4 stars; one submission).

Conditions:
NCOA1-related disorder. Also called: NCOA1-related condition.

gnomAD v4.1: 4 of 1,612,976 alleles (0.00025%); highest among the groups gnomAD compares: African/African-American, 0.0053%; no homozygotes.

Submission:

PreventionGenetics, part of Exact Sciences
Classification: Likely benign for NCOA1-related condition. Last evaluated: 2025-01-30. Review status: criteria provided, single submitter. Criteria: ACMG Guidelines, 2015. Collection method: clinical testing. Allele origin: germline.
Comment: This variant is classified as likely benign based on ACMG/AMP sequence variant interpretation guidelines (Richards et al. 2015 PMID: 25741868, with internal and published modifications).

NM_003743.5(NCOA1):c.852C>G (p.Gly284=)

Gene: NCOA1 (nuclear receptor coactivator 1; plus strand). Cytogenetic location: 2p23.3.
Variant type: single nucleotide variant.
Coding change: c.852C>G on transcript NM_003743.5 (MANE Select); coding-DNA position 852, C replaced by G.
Protein change: p.Gly284=; no amino-acid change (glycine 284 retained).
Molecular consequence: synonymous variant.
Genome position (GRCh38, 1-based): chr2:24,697,701, C>G. VCF-style: chr2-24697701-C-G. GRCh37 (hg19) VCF-style: chr2-24920570-C-G.
Other names: c.852C>G, p.Gly284= (NM_001362950.1, NM_001362952.1, NM_001362954.1 and 3 more transcripts).
Identifiers: ClinVar variation 4982518 (VCV004982518.1).
Genomic context (GRCh38, chr2:24,697,701, plus strand): 5'-TTTCATTCTTTGTACAGGTAAAATCATCTCTATTGATACTAGTTCCCTGAGAGCTGCTGG[C>G]AGAACTGGTTGGGAAGATTTAGTGAGGAAGTGCATTTATGCTTTTTTCCAACCTCAGGGC-3'
Protein context (NP_003734.3, residues 274-294): SIDTSSLRAA[Gly284=]RTGWEDLVRK